The following is an entry in ClinVar:

ClinVar aggregate classification (germline): Uncertain significance (1 of 4 stars; one submission).

Allele frequency attached by ClinVar (database versions not stated): gnomAD exomes 0.00001; ExAC 0.00005; gnomAD 0.00006; 1000 Genomes Project 30x 0.00016; 1000 Genomes Project 0.00020; TOPMed 0.00021.
gnomAD v4.1: 18 of 1,551,368 alleles (0.0012%); highest among the groups gnomAD compares: Admixed American, 0.027%; no homozygotes.

Submission:

Labcorp Genetics (formerly Invitae), Labcorp
Classification: Uncertain significance. Last evaluated: 2022-04-23. Review status: criteria provided, single submitter. Criteria: Invitae Variant Classification Sherloc (09022015). Collection method: clinical testing. Allele origin: germline.
Comment: This sequence change falls in intron 8 of the PDE2A gene. It does not directly change the encoded amino acid sequence of the PDE2A protein. This variant is present in population databases (rs572963633, gnomAD 0.004%). This variant has not been reported in the literature in individuals affected with PDE2A-related conditions. Algorithms developed to predict the effect of sequence changes on RNA splicing suggest that this variant may disrupt the consensus splice site. In summary, the available evidence is currently insufficient to determine the role of this variant in disease. Therefore, it has been classified as a Variant of Uncertain Significance.

NM_002599.5(PDE2A):c.704-11G>A

Gene: PDE2A (phosphodiesterase 2A; minus strand). Cytogenetic location: 11q13.4.
Variant type: single nucleotide variant.
Coding change: c.704-11G>A on transcript NM_002599.5 (MANE Select); 11 bases into the intron before coding-DNA position 704, G replaced by A.
Molecular consequence: intron variant.
Genome position (GRCh38, 1-based): chr11:72,590,255, C>T on the plus strand (G>A on the coding strand, the complement: PDE2A is on the minus strand). VCF-style: chr11-72590255-C-T. GRCh37 (hg19) VCF-style: chr11-72301299-C-T.
Other names: c.677-11G>A (NM_001146209.3); c.683-11G>A (NM_001143839.4); c.641-11G>A (NM_001243784.2).
Identifiers: ClinVar variation 1465355 (VCV001465355.5), dbSNP rs572963633, ClinGen allele CA6172458.